The following is an entry in ClinVar:

NM_002439.5(MSH3):c.3283G>A (p.Gly1095Arg)

Gene: MSH3 (mutS homolog 3; plus strand). Cytogenetic location: 5q14.1.
Variant type: single nucleotide variant.
Coding change: c.3283G>A on transcript NM_002439.5 (MANE Select); coding-DNA position 3283, G replaced by A.
Protein change: p.Gly1095Arg; replaces glycine 1095 with arginine.
Molecular consequence: missense variant.
Genome position (GRCh38, 1-based): chr5:80,873,268, G>A. VCF-style: chr5-80873268-G-A. GRCh37 (hg19) VCF-style: chr5-80169087-G-A.
Other names: short protein forms G1095R.
Identifiers: ClinVar variation 2586063 (VCV002586063.2), dbSNP rs2112128958, ClinGen allele CA360347137.

ClinVar aggregate classification (germline): Uncertain significance (1 of 4 stars; one submission).

Conditions:
Hereditary cancer-predisposing syndrome. Also called: Hereditary neoplastic syndrome; Tumor predisposition; Hereditary Cancer Syndrome; Neoplastic Syndromes, Hereditary. Identifiers: Orphanet 140162, MedGen C0027672, MeSH D009386, MONDO:0015356.

Submission:

Ambry Genetics
Classification: Uncertain significance for Hereditary cancer-predisposing syndrome. Last evaluated: 2023-07-05. Review status: criteria provided, single submitter. Criteria: Ambry Variant Classification Scheme 2023. Collection method: clinical testing. Allele origin: germline.
Comment: The p.G1095R variant (also known as c.3283G>A), located in coding exon 23 of the MSH3 gene, results from a G to A substitution at nucleotide position 3283. The glycine at codon 1095 is replaced by arginine, an amino acid with dissimilar properties. This amino acid position is conserved. In addition, this alteration is predicted to be tolerated by in silico analysis. Since supporting evidence is limited at this time, the clinical significance of this alteration remains unclear.